The following is an entry in ClinVar:

ClinVar aggregate classification (germline): Likely pathogenic. Review status: criteria provided, multiple submitters, no conflicts (2 of 4 stars). 3 submissions from 3 submitters: Likely pathogenic (3). Last evaluated 2024-07-06.

Conditions:
PNPT1-related disorder. Also called: PNPT1-related condition; PNPT1-related disorders.

Allele frequency attached by ClinVar (database versions not stated): gnomAD exomes 0.00001; ExAC 0.00002; TOPMed 0.00002; gnomAD 0.00003; 1000 Genomes Project 30x 0.00016; 1000 Genomes Project 0.00020.
gnomAD v4.1: 25 of 1,613,474 alleles (0.0015%); highest among the groups gnomAD compares: East Asian, 0.0089%; no homozygotes.

Submissions (3):

Labcorp Genetics (formerly Invitae), Labcorp
Classification: Likely pathogenic. Last evaluated: 2024-07-06. Review status: criteria provided, single submitter. Criteria: Invitae Variant Classification Sherloc (09022015). Collection method: clinical testing. Allele origin: germline.
Comment: This sequence change replaces proline, which is neutral and non-polar, with leucine, which is neutral and non-polar, at codon 140 of the PNPT1 protein (p.Pro140Leu). This variant is present in population databases (rs572684828, gnomAD 0.01%). This missense change has been observed in individuals with PNPT1-related conditions (PMID: 28645153, 31164858). ClinVar contains an entry for this variant (Variation ID: 1199970). Advanced modeling of protein sequence and biophysical properties (such as structural, functional, and spatial information, amino acid conservation, physicochemical variation, residue mobility, and thermodynamic stability) performed at Invitae indicates that this missense variant is expected to disrupt PNPT1 protein function with a positive predictive value of 80%. In summary, the currently available evidence indicates that the variant is pathogenic, but additional data are needed to prove that conclusively. Therefore, this variant has been classified as Likely Pathogenic.

GeneDx
Classification: Likely pathogenic. Last evaluated: 2023-05-08. Review status: criteria provided, single submitter. Criteria: GeneDx Variant Classification Process June 2021. Collection method: clinical testing. Allele origin: germline. Affected: yes.
Comment: Not observed at significant frequency in large population cohorts (gnomAD); In silico analysis supports that this missense variant has a deleterious effect on protein structure/function; This variant is associated with the following publications: (PMID: 28645153, 31752325, 34498404, 31164858)

Women's Health and Genetics/Laboratory Corporation of America, LabCorp
Classification: Likely pathogenic for PNPT1-Related Disorders. Last evaluated: 2023-02-07. Review status: criteria provided, single submitter. Criteria: LabCorp Variant Classification Summary - May 2015. Collection method: clinical testing. Allele origin: germline.
Comment: Variant summary: PNPT1 c.419C>T (p.Pro140Leu) results in a non-conservative amino acid change located in the Exoribonuclease, phosphorolytic domain 1 (IPR001247) of the encoded protein sequence. Five of five in-silico tools predict a damaging effect of the variant on protein function. The variant allele was found at a frequency of 8e-06 in 251240 control chromosomes. c.419C>T has been reported in the literature as a biallelic compound heterozygous or homozygous genotype in at-least two individuals affected with features of PNPT1-Related Disorders, predominantly Leigh syndrome and/or early-onset epliepsy (example, PMID: 31164858, 28645153, 31752325). These data indicate that the variant may be associated with disease. To our knowledge, no experimental evidence demonstrating an impact on protein function has been reported. Two clinical diagnostic laboratories have submitted clinical-significance assessments for this variant to ClinVar after 2014 without evidence for independent evaluation. All laboratories classified the variant as likely pathogenic. Based on the evidence outlined above, the variant was classified as likely pathogenic.

Literature cited by the submitters: PubMed 28645153 (cited by Labcorp Genetics (formerly Invitae), Labcorp and Women's Health and Genetics/Laboratory Corporation of America, LabCorp); PubMed 31164858 (cited by Labcorp Genetics (formerly Invitae), Labcorp and Women's Health and Genetics/Laboratory Corporation of America, LabCorp); PubMed 31752325 (cited by Women's Health and Genetics/Laboratory Corporation of America, LabCorp).

NM_033109.5(PNPT1):c.419C>T (p.Pro140Leu)

Gene: PNPT1 (polyribonucleotide nucleotidyltransferase 1; minus strand). Cytogenetic location: 2p16.1.
Variant type: single nucleotide variant.
Coding change: c.419C>T on transcript NM_033109.5 (MANE Select); coding-DNA position 419, C replaced by T.
Protein change: p.Pro140Leu; replaces proline 140 with leucine.
Molecular consequence: missense variant.
Genome position (GRCh38, 1-based): chr2:55,683,819, G>A on the plus strand (C>T on the coding strand, the complement: PNPT1 is on the minus strand). VCF-style: chr2-55683819-G-A. GRCh37 (hg19) VCF-style: chr2-55910954-G-A.
Other names: short protein forms P140L.
Identifiers: ClinVar variation 1199970 (VCV001199970.13), dbSNP rs572684828, ClinGen allele CA1668482.